The following is an entry in ClinVar:

ClinVar aggregate classification (germline): Uncertain significance (1 of 4 stars; one submission).

Submission:

GeneDx
Classification: Uncertain significance. Last evaluated: 2024-10-21. Review status: criteria provided, single submitter. Criteria: GeneDx Variant Classification Process June 2021. Collection method: clinical testing. Allele origin: germline. Affected: yes.
Comment: Not observed at significant frequency in large population cohorts (gnomAD); In silico analysis supports that this missense variant has a deleterious effect on protein structure/function; Has not been previously published as pathogenic or benign to our knowledge

NM_006662.3(SRCAP):c.5614C>G (p.Pro1872Ala)

Gene: SRCAP (Snf2 related CREBBP activator protein; plus strand). Cytogenetic location: 16p11.2.
Variant type: single nucleotide variant.
Coding change: c.5614C>G on transcript NM_006662.3 (MANE Select); coding-DNA position 5614, C replaced by G.
Protein change: p.Pro1872Ala; replaces proline 1872 with alanine.
Molecular consequence: missense variant.
Genome position (GRCh38, 1-based): chr16:30,725,038, C>G. VCF-style: chr16-30725038-C-G. GRCh37 (hg19) VCF-style: chr16-30736359-C-G.
Other names: short protein forms P1872A.
Identifiers: ClinVar variation 3781214 (VCV003781214.1).